The following is an entry in ClinVar:

NM_003239.5(TGFB3):c.*8C>T

Gene: TGFB3 (transforming growth factor beta 3; minus strand). Cytogenetic location: 14q24.3.
Variant type: single nucleotide variant.
Coding change: c.*8C>T on transcript NM_003239.5 (MANE Select); 8 bases downstream of the stop codon, C replaced by T.
Molecular consequence: 3 prime UTR variant.
Genome position (GRCh38, 1-based): chr14:75,959,179, G>A on the plus strand (C>T on the coding strand, the complement: TGFB3 is on the minus strand). VCF-style: chr14-75959179-G-A. GRCh37 (hg19) VCF-style: chr14-76425522-G-A.
Other names: c.*8C>T (NM_001329939.2).
Identifiers: ClinVar variation 1206838 (VCV001206838.10), dbSNP rs3917215, ClinGen allele CA7280242.
Genomic context (GRCh38, chr14:75,959,179, plus strand): 5'-GTTTCCCGAGGAGCGGGCAGTCAGGCAGTGGTGGTTCTCTCTCCCCTCTCTCTGTCGCAC[G>A]TGGGGTCTCAGCTACATTTACAAGACTTCACCACCATGTTGGAGAGCTGCTCCACTTTGG-3'

ClinVar aggregate classification (germline): Conflicting classifications of pathogenicity. Review status: criteria provided, conflicting classifications (1 of 4 stars). 2 submissions from 2 submitters: Uncertain significance (1); Likely benign (1). Last evaluated 2024-03-12.

Allele frequency attached by ClinVar (database versions not stated): ExAC 0.00004; 1000 Genomes Project 30x 0.00016; 1000 Genomes Project 0.00020; gnomAD exomes 0.00004.
gnomAD v4.1: 96 of 1,614,100 alleles (0.0059%); highest among the groups gnomAD compares: Admixed American, 0.045%; no homozygotes.

Submissions (2):

Women's Health and Genetics/Laboratory Corporation of America, LabCorp
Classification: Uncertain significance. Last evaluated: 2024-03-12. Review status: criteria provided, single submitter. Criteria: LabCorp Variant Classification Summary - May 2015. Collection method: clinical testing. Allele origin: germline.

GeneDx
Classification: Likely benign. Last evaluated: 2023-09-07. Review status: criteria provided, single submitter. Criteria: GeneDx Variant Classification Process June 2021. Collection method: clinical testing. Allele origin: germline. Affected: yes.
Comment: See Variant Classification Assertion Criteria.